The following is an entry in ClinVar:

ClinVar aggregate classification (germline): Pathogenic/Likely pathogenic. Review status: criteria provided, multiple submitters, no conflicts (2 of 4 stars). 2 submissions from 2 submitters: Pathogenic (1); Likely pathogenic (1). Last evaluated 2025-01-09.

Conditions:
Autosomal dominant nonsyndromic hearing loss 68. Also called: Deafness, autosomal dominant 68. Identifiers: Orphanet 90635, MedGen C4225240, MONDO:0014740, OMIM 616707.

Submissions (2):

Institute of Rare Diseases, West China Hospital, Sichuan University
Classification: Likely pathogenic for Autosomal dominant nonsyndromic hearing loss 68. Last evaluated: 2025-01-09. Review status: criteria provided, single submitter. Criteria: ClinGen HL ACMG Specifications v1. Collection method: research. Allele origin: germline. Affected: yes.
Comment: PVS1;PM2_Supporting

Precision Medicine Center, Zhengzhou University
Classification: Pathogenic for Autosomal dominant nonsyndromic hearing loss 68. Last evaluated: 2006-06-30. Review status: criteria provided, single submitter. Criteria: ClinGen HL ACMG Specifications v1. Collection method: clinical testing. Allele origin: maternal. Affected: yes.
Comment: PVS1+PM2:The HOMER2 c.1023_1029del variant is predicted to disrupt normal protein function via truncation or loss of critical domains (PVS1). The variant is absent or extremely rare in population databases (PM2). According to the ACMG/AMP guidelines, this variant is classified as Pathogenic.

NM_004839.4(HOMER2):c.1023_1029del (p.Asp342fs)

Gene: HOMER2 (homer scaffold protein 2; minus strand). Cytogenetic location: 15q25.2.
Variant type: Deletion.
Coding change: c.1023_1029del on transcript NM_004839.4 (MANE Select); coding-DNA positions 1023 to 1029, 7 bases deleted (CGATAAC; older notation c.1023_1029delCGATAAC).
Protein change: p.Asp342fs; shifts the reading frame from aspartic acid 342.
Molecular consequence: frameshift variant.
Genome position (GRCh38, 1-based): chr15:82,849,718-82,849,724, GTTATCG deleted on the plus strand (CGATAAC on the coding strand, the reverse complement: HOMER2 is on the minus strand); deleting any 7 consecutive bases within chr15:82,849,718-82,849,726 gives the same sequence; the c. name uses the placement nearest the transcript's 3' end. VCF-style (leftmost placement, unchanged base first): chr15-82849717-AGTTATCG-A. GRCh37 (hg19) VCF-style: chr15-83518469-AGTTATCG-A.
Other names: c.1056_1062del, p.Asp353fs (NM_199330.3); short protein forms D342fs, D353fs.
Identifiers: ClinVar variation 3601171 (VCV003601171.2).